The following is an entry in ClinVar:

ClinVar aggregate classification (germline): Uncertain significance (1 of 4 stars; one submission).

Submission:

Labcorp Genetics (formerly Invitae), Labcorp
Classification: Uncertain significance. Last evaluated: 2024-03-31. Review status: criteria provided, single submitter. Criteria: Invitae Variant Classification Sherloc (09022015). Collection method: clinical testing. Allele origin: germline.
Comment: This sequence change falls in intron 4 of the TRMT5 gene. It does not directly change the encoded amino acid sequence of the TRMT5 protein. This variant is not present in population databases (gnomAD no frequency). This variant has not been reported in the literature in individuals affected with TRMT5-related conditions. Algorithms developed to predict the effect of sequence changes on RNA splicing suggest that this variant may disrupt the consensus splice site. In summary, the available evidence is currently insufficient to determine the role of this variant in disease. Therefore, it has been classified as a Variant of Uncertain Significance.

NM_020810.3(TRMT5):c.1445-10T>C

Gene: TRMT5 (tRNA methyltransferase 5; minus strand). Cytogenetic location: 14q23.1.
Variant type: single nucleotide variant.
Coding change: c.1445-10T>C on transcript NM_020810.3 (MANE Select); 10 bases into the intron before coding-DNA position 1445, T replaced by C.
Molecular consequence: intron variant.
Genome position (GRCh38, 1-based): chr14:60,975,204, A>G on the plus strand (T>C on the coding strand, the complement: TRMT5 is on the minus strand). VCF-style: chr14-60975204-A-G. GRCh37 (hg19) VCF-style: chr14-61441922-A-G.
Other names: c.1529-10T>C (NM_001350253.1); c.1526-10T>C (NM_001350254.1).
Identifiers: ClinVar variation 3648273 (VCV003648273.2).